The following is an entry in ClinVar:

NM_007294.4(BRCA1):c.117_121delinsGAG (p.Cys39fs)

Gene: BRCA1 (BRCA1 DNA repair associated; minus strand). Cytogenetic location: 17q21.31.
Variant type: Indel.
Coding change: c.117_121delinsGAG on transcript NM_007294.4 (MANE Select); coding-DNA positions 117 to 121, TGACC replaced by GAG.
Protein change: p.Cys39fs; shifts the reading frame from cysteine 39.
Molecular consequence: frameshift variant. On other transcripts: intron variant (41), 5 prime UTR variant (132).
Genome position (GRCh38, 1-based): chr17:43,115,739-43,115,743, GGTCA replaced by CTC on the plus strand (TGACC replaced by GAG on the coding strand, the reverse complement: BRCA1 is on the minus strand). VCF-style: chr17-43115739-GGTCA-CTC. GRCh37 (hg19) VCF-style: chr17-41267756-GGTCA-CTC.
Other names: c.-8+8274_-8+8278delinsGAG (NM_001407936.1, NM_001407849.1, NM_001407845.1 and 23 more transcripts); c.-8+5815_-8+5819delinsGAG (NM_001407751.1, NM_001407726.1); c.-55+8274_-55+8278delinsGAG (NM_001407902.1, NM_001407898.1, NM_001407881.1); c.-25_-21delinsGAG (NM_001408452.1, NM_001408453.1, NM_001408458.1 and 47 more transcripts); c.-141_-137delinsGAG (NM_001408455.1, NM_001408456.1, NM_001408468.1 and 13 more transcripts); c.-145_-141delinsGAG (NM_001408465.1, NM_001407695.1); c.-72_-68delinsGAG (NM_001408483.1, NM_001408484.1, NM_001408485.1 and 52 more transcripts); c.-188_-184delinsGAG (NM_001408492.1, NM_001407889.1, NM_001407900.1); and 11 more; short protein forms C39fs.
Identifiers: ClinVar variation 2673993 (VCV002673993.1), dbSNP rs2552269033, ClinGen allele CA2695200251.

ClinVar aggregate classification (germline): Pathogenic (1 of 4 stars; one submission).

Conditions:
Breast-ovarian cancer, familial, susceptibility to, 1 (BROVCA1). Also called: BRCA1 Hereditary Breast and Ovarian Cancer; OVARIAN CANCER, SUSCEPTIBILITY TO. Identifiers: Orphanet 145, MedGen C2676676, MONDO:0011450, OMIM 604370. Disease mechanism: loss of function.

Submission:

Myriad Genetics, Inc.
Classification: Pathogenic for Breast-ovarian cancer, familial, susceptibility to, 1. Last evaluated: 2023-10-25. Review status: criteria provided, single submitter. Criteria: Myriad Autosomal Dominant, Autosomal Recessive and X-Linked Classification Criteria (2023). Collection method: clinical testing. Allele origin: unknown.
Comment: This variant is considered pathogenic. This variant creates a frameshift predicted to result in premature protein truncation.